The following is an entry in ClinVar:

ClinVar aggregate classification (germline): Uncertain significance (1 of 4 stars; one submission).

Conditions:
Fanconi anemia (FA). Also called: Fanconi's anemia. Identifiers: Orphanet 84, MedGen C0015625, MeSH D005199, MONDO:0019391.

Allele frequency attached by ClinVar (database versions not stated): TOPMed below 0.00001.
gnomAD v4.1: 2 of 1,613,756 alleles (0.00012%); highest among the groups gnomAD compares: Non-Finnish European, 0.00017%; no homozygotes.

Submission:

Labcorp Genetics (formerly Invitae), Labcorp
Classification: Uncertain significance for Fanconi anemia. Last evaluated: 2022-12-06. Review status: criteria provided, single submitter. Criteria: Invitae Variant Classification Sherloc (09022015). Collection method: clinical testing. Allele origin: germline.
Comment: ClinVar contains an entry for this variant (Variation ID: 647443). Algorithms developed to predict the effect of missense changes on protein structure and function (SIFT, PolyPhen-2, Align-GVGD) all suggest that this variant is likely to be tolerated. In summary, the available evidence is currently insufficient to determine the role of this variant in disease. Therefore, it has been classified as a Variant of Uncertain Significance. This sequence change replaces serine, which is neutral and polar, with glycine, which is neutral and non-polar, at codon 1002 of the FANCM protein (p.Ser1002Gly). This variant is not present in population databases (gnomAD no frequency). This variant has not been reported in the literature in individuals affected with FANCM-related conditions.

NM_020937.4(FANCM):c.3004A>G (p.Ser1002Gly)

Gene: FANCM (FA complementation group M; plus strand). Cytogenetic location: 14q21.2.
Variant type: single nucleotide variant.
Coding change: c.3004A>G on transcript NM_020937.4 (MANE Select); coding-DNA position 3004, A replaced by G.
Protein change: p.Ser1002Gly; replaces serine 1002 with glycine.
Molecular consequence: missense variant.
Genome position (GRCh38, 1-based): chr14:45,175,758, A>G. VCF-style: chr14-45175758-A-G. GRCh37 (hg19) VCF-style: chr14-45644961-A-G.
Other names: c.3004A>G (LRG_502t1); c.2926A>G, p.Ser976Gly (NM_001308133.2); short protein forms S1002G, S976G.
Identifiers: ClinVar variation 647443 (VCV000647443.8), dbSNP rs1594798521, ClinGen allele CA389599653.